The following is an entry in ClinVar:

NM_016333.4(SRRM2):c.532A>G (p.Ser178Gly)

Genes: SRRM2 (serine/arginine repetitive matrix 2; plus strand), LOC126862261 (BRD4-independent group 4 enhancer GRCh37_chr16:2807529-2808728; plus strand). Cytogenetic location: 16p13.3.
Variant type: single nucleotide variant.
Coding change: c.532A>G on transcript NM_016333.4 (MANE Select); coding-DNA position 532, A replaced by G.
Protein change: p.Ser178Gly; replaces serine 178 with glycine.
Molecular consequence: missense variant.
Genome position (GRCh38, 1-based): chr16:2,758,486, A>G. VCF-style: chr16-2758486-A-G. GRCh37 (hg19) VCF-style: chr16-2808487-A-G.
Other names: short protein forms S178G.
Identifiers: ClinVar variation 3907804 (VCV003907804.1).
Genomic context (GRCh38, chr16:2,758,486, plus strand): 5'-GTTTGTTCTACCACCCATCTCTGCTGCTTTTCATTTTTCCCTAGCCTTGTTCGGGAGTCT[A>G]GCAGTTCTCGCTCACCAACCCCAAAGCAGAAGAAGAAGAAAAAGAAGAAAGATAGAGGAC-3'
Protein context (NP_057417.3, residues 168-188): PKPYSLVRES[Ser178Gly]SSRSPTPKQK

ClinVar aggregate classification (germline): Uncertain significance (1 of 4 stars; one submission).

Submission:

GeneDx
Classification: Uncertain significance. Last evaluated: 2024-12-16. Review status: criteria provided, single submitter. Criteria: GeneDx Variant Classification Process June 2021. Collection method: clinical testing. Allele origin: germline. Affected: yes.
Comment: Not observed at significant frequency in large population cohorts (gnomAD); In silico analysis indicates that this missense variant does not alter protein structure/function; Has not been previously published as pathogenic or benign to our knowledge